The following is an entry in ClinVar:

NM_000245.4(MET):c.347T>A (p.Ile116Asn)

Gene: MET (MET proto-oncogene, receptor tyrosine kinase; plus strand). Cytogenetic location: 7q31.2.
Variant type: single nucleotide variant.
Coding change: c.347T>A on transcript NM_000245.4 (MANE Select); coding-DNA position 347, T replaced by A.
Protein change: p.Ile116Asn; replaces isoleucine 116 with asparagine.
Molecular consequence: missense variant. On other transcripts: intron variant (1).
Genome position (GRCh38, 1-based): chr7:116,699,431, T>A. VCF-style: chr7-116699431-T-A. GRCh37 (hg19) VCF-style: chr7-116339485-T-A.
Other names: c.347T>A, p.Ile116Asn (NM_001127500.3, NM_001324401.3); c.-91+26854T>A (NM_001324402.2); short protein forms I116N.
Identifiers: ClinVar variation 2168228 (VCV002168228.5), dbSNP rs1490648488, ClinGen allele CA368968877.
Genomic context (GRCh38, chr7:116,699,431, plus strand): 5'-TCCCATGTCAGGACTGCAGCAGCAAAGCCAATTTATCAGGAGGTGTTTGGAAAGATAACA[T>A]CAACATGGCTCTAGTTGTCGACACCTACTATGATGATCAACTCATTAGCTGTGGCAGCGT-3'
Protein context (NP_000236.2, residues 106-126): NLSGGVWKDN[Ile116Asn]NMALVVDTYY

ClinVar aggregate classification (germline): Uncertain significance. Review status: criteria provided, multiple submitters, no conflicts (2 of 4 stars). 2 submissions from 2 submitters: Uncertain significance (2). Last evaluated 2026-06-01.

Conditions:
Renal cell carcinoma. Identifiers: Orphanet 217071, MedGen C0007134, MeSH D002292, MONDO:0005086, HP:0005584.
Hereditary cancer-predisposing syndrome. Also called: Tumor predisposition; Hereditary Cancer Syndrome; Hereditary neoplastic syndrome; Neoplastic Syndromes, Hereditary. Identifiers: Orphanet 140162, MedGen C0027672, MeSH D009386, MONDO:0015356.

Allele frequency attached by ClinVar (database versions not stated): gnomAD exomes below 0.00001.
gnomAD v4.1: 1 of 1,613,968 alleles (0.000062%); highest among the groups gnomAD compares: East Asian, 0.0022%; no homozygotes.

Submissions (2):

Ambry Genetics
Classification: Uncertain significance for Hereditary cancer-predisposing syndrome. Last evaluated: 2026-06-01. Review status: criteria provided, single submitter. Criteria: Ambry Variant Classification Scheme 2023. Collection method: clinical testing. Allele origin: germline.
Comment: The p.I116N variant (also known as c.347T>A), located in coding exon 1 of the MET gene, results from a T to A substitution at nucleotide position 347. The isoleucine at codon 116 is replaced by asparagine, an amino acid with dissimilar properties. This amino acid position is conserved. In addition, this alteration is predicted to be tolerated by in silico analysis. Based on the available evidence, the clinical significance of this variant remains unclear.

Labcorp Genetics (formerly Invitae), Labcorp
Classification: Uncertain significance for Renal cell carcinoma. Last evaluated: 2021-12-17. Review status: criteria provided, single submitter. Criteria: Invitae Variant Classification Sherloc (09022015). Collection method: clinical testing. Allele origin: germline.
Comment: This sequence change replaces isoleucine, which is neutral and non-polar, with asparagine, which is neutral and polar, at codon 116 of the MET protein (p.Ile116Asn). This variant is not present in population databases (gnomAD no frequency). In summary, the available evidence is currently insufficient to determine the role of this variant in disease. Therefore, it has been classified as a Variant of Uncertain Significance. Algorithms developed to predict the effect of missense changes on protein structure and function are either unavailable or do not agree on the potential impact of this missense change (SIFT: "Deleterious"; PolyPhen-2: "Possibly Damaging"; Align-GVGD: "Class C0"). This variant has not been reported in the literature in individuals affected with MET-related conditions.